The following is an entry in ClinVar:

ClinVar aggregate classification (germline): Likely benign. Review status: criteria provided, single submitter (1 of 4 stars). 2 submissions from 2 submitters: Likely benign (1). 1 of the submissions does not count toward it. Last evaluated 2023-03-23.

Conditions:
Hereditary cancer-predisposing syndrome. Also called: Tumor predisposition; Neoplastic Syndromes, Hereditary; Hereditary Cancer Syndrome; Hereditary neoplastic syndrome. Identifiers: Orphanet 140162, MedGen C0027672, MeSH D009386, MONDO:0015356.
Breast-ovarian cancer, familial, susceptibility to, 1 (BROVCA1). Also called: OVARIAN CANCER, SUSCEPTIBILITY TO; BRCA1 Hereditary Breast and Ovarian Cancer. Identifiers: Orphanet 145, MedGen C2676676, MONDO:0011450, OMIM 604370. Disease mechanism: loss of function.

gnomAD v4.1: 1 of 1,613,820 alleles (0.000062%); highest among the groups gnomAD compares: Non-Finnish European, 0.000085%; no homozygotes.

Submissions (2):

University of Washington Department of Laboratory Medicine, University of Washington
Classification: Likely benign for Hereditary cancer-predisposing syndrome. Last evaluated: 2023-03-23. Review status: criteria provided, single submitter. Criteria: Dines et al. (Genet Med. 2020). Collection method: curation. Allele origin: germline.
Comment: Missense variant in a coldspot region where missense variants are very unlikely to be pathogenic (PMID:31911673).

BRCA1 coldspot (exon 11 using historical exon numbering). Reclassification based on statistical prior probability

Breast Cancer Information Core (BIC) (BRCA1)
Classification: Uncertain significance for Breast-ovarian cancer, familial 1. Last evaluated: 2004-11-25. Review status: no assertion criteria provided. Collection method: clinical testing. Allele origin: germline. Affected: yes. Observed: 1 variant allele. Not counted in ClinVar's aggregate classification.

NM_007294.4(BRCA1):c.1963T>G (p.Tyr655Asp)

Gene: BRCA1 (BRCA1 DNA repair associated; minus strand). Cytogenetic location: 17q21.31.
Variant type: single nucleotide variant.
Coding change: c.1963T>G on transcript NM_007294.4 (MANE Select); coding-DNA position 1963, T replaced by G.
Protein change: p.Tyr655Asp; replaces tyrosine 655 with aspartic acid.
Molecular consequence: missense variant. On other transcripts: intron variant (137).
Genome position (GRCh38, 1-based): chr17:43,093,568, A>C on the plus strand (T>G on the coding strand, the complement: BRCA1 is on the minus strand). VCF-style: chr17-43093568-A-C. GRCh37 (hg19) VCF-style: chr17-41245585-A-C.
Other names: c.1750T>G, p.Tyr584Asp (NM_001407571.1, NM_001407853.1, NM_001407894.1 and 9 more transcripts); c.1963T>G, p.Tyr655Asp (NM_001407581.1, NM_001407582.1, NM_001407583.1 and 30 more transcripts); c.1960T>G, p.Tyr654Asp (NM_001407587.1, NM_001407590.1, NM_001407591.1 and 22 more transcripts); c.1954T>G, p.Tyr652Asp (NM_001407646.1, NM_001407647.1); c.1840T>G, p.Tyr614Asp (NM_001407648.1, NM_001407664.1, NM_001407665.1 and 19 more transcripts); c.1837T>G, p.Tyr613Asp (NM_001407649.1, NM_001407670.1, NM_001407671.1 and 11 more transcripts); c.1885T>G, p.Tyr629Asp (NM_001407653.1, NM_001407654.1, NM_001407655.1 and 4 more transcripts); c.1882T>G, p.Tyr628Asp (NM_001407659.1, NM_001407660.1, NM_001407661.1 and 1 more transcripts); and 40 more; short protein forms Y655D, Y608D, Y527D, Y588D, Y613D, Y543D, Y566D, Y584D.
Identifiers: ClinVar variation 54418 (VCV000054418.5), dbSNP rs80357166, ClinGen allele CA001308.